The following is an entry in ClinVar:

NM_138694.4(PKHD1):c.8677C>G (p.His2893Asp)

Gene: PKHD1 (PKHD1 ciliary IPT domain containing fibrocystin/polyductin; minus strand). Cytogenetic location: 6p12.3.
Variant type: single nucleotide variant.
Coding change: c.8677C>G on transcript NM_138694.4 (MANE Select); coding-DNA position 8677, C replaced by G.
Protein change: p.His2893Asp; replaces histidine 2893 with aspartic acid.
Molecular consequence: missense variant.
Genome position (GRCh38, 1-based): chr6:51,754,904, G>C on the plus strand (C>G on the coding strand, the complement: PKHD1 is on the minus strand). VCF-style: chr6-51754904-G-C. GRCh37 (hg19) VCF-style: chr6-51619702-G-C.
Other names: c.8677C>G, p.His2893Asp (NM_170724.3); short protein forms H2893D.
Identifiers: ClinVar variation 357422 (VCV000357422.6), dbSNP rs886061615, ClinGen allele CA10624393.

ClinVar aggregate classification (germline): Uncertain significance. Review status: criteria provided, single submitter (1 of 4 stars). 2 submissions from 2 submitters: Uncertain significance (1). 1 of the submissions does not count toward it. Last evaluated 2018-01-13.

Conditions:
Autosomal recessive polycystic kidney disease (ARPKD). Also called: AR polycystic kidney disease. Identifiers: Orphanet 731, Orphanet 8378, MedGen C0085548, MeSH D017044, MONDO:0009889.

Allele frequency attached by ClinVar (database versions not stated): TOPMed 0.00001.

Submissions (2):

Illumina Laboratory Services, Illumina
Classification: Uncertain significance for Polycystic kidney disease 4. Last evaluated: 2018-01-13. Review status: criteria provided, single submitter. Criteria: ICSL Variant Classification Criteria 13 December 2019. Collection method: clinical testing. Allele origin: germline.

Genetic Services Laboratory, University of Chicago
Classification: Uncertain significance. Last evaluated: 2022-12-27. Review status: no assertion criteria provided. Collection method: clinical testing. Allele origin: germline. Affected: no. Not counted in ClinVar's aggregate classification.
Comment: DNA sequence analysis of the PKHD1 gene demonstrated a sequence change, c.8677C>G, in exon 56 that results in an amino acid change, p.His2893Asp. This sequence change does not appear to have been previously described in individuals with PKHD1-related disorders and has also not been described in population databases such as ExAC and gnomAD (dbSNP rs886061615). The p.His2893Asp change affects a moderately conserved amino acid residue located in a domain of the PKHD1 protein that is not known to be functional. The p.His2893Asp substitution appears to be benign using several in-silico pathogenicity prediction tools (SIFT, PolyPhen2, Align GVGD, REVEL). Due to insufficient evidences and the lack of functional studies, the clinical significance of the p.His2893Asp change remains unknown at this time.